The following is an entry in ClinVar:

ClinVar aggregate classification (germline): Pathogenic. Review status: criteria provided, multiple submitters, no conflicts (2 of 4 stars). 3 submissions from 3 submitters: Pathogenic (2). 1 of the submissions does not count toward it. Last evaluated 2026-02-17.

Conditions:
Neurodevelopmental disorder with coarse facies and mild distal skeletal abnormalities. Also called: STOLERMAN NEURODEVELOPMENTAL SYNDROME. Identifiers: MedGen C5193134, MONDO:0032790, OMIM 618505.

Submissions (3):

GeneDx
Classification: Pathogenic. Last evaluated: 2026-02-17. Review status: criteria provided, single submitter. Criteria: GeneDx Variant Classification Process June 2021. Collection method: clinical testing. Allele origin: germline.
Comment: Nonsense variant predicted to result in protein truncation or nonsense mediated decay in a gene for which loss-of-function is a known mechanism of disease; Not observed at significant frequency in large population cohorts (gnomAD); This variant is associated with the following publications: (PMID: 37196654)

Victorian Clinical Genetics Services, Murdoch Childrens Research Institute
Classification: Pathogenic for Neurodevelopmental disorder with coarse facies and mild distal skeletal abnormalities. Last evaluated: 2022-02-02. Review status: criteria provided, single submitter. Criteria: ACMG Guidelines, 2015. Collection method: clinical testing. Allele origin: germline. Inheritance: Autosomal dominant inheritance. Affected: yes.
Comment: Based on the classification scheme VCGS_Germline_v1.3.4, this variant is classified as Pathogenic. Following criteria are met: 0102 - Loss of function is a known mechanism of disease in this gene and is associated with neurodevelopmental disorder with coarse facies and mild distal skeletal abnormalities (MIM#618505). (I) 0107 - This gene is associated with autosomal dominant disease. (I) 0201 - Variant is predicted to cause nonsense-mediated decay (NMD) and loss of protein (premature termination codon is located at least 54 nucleotides upstream of the final exon-exon junction). (SP) 0251 - This variant is heterozygous. (I) 0301 - Variant is absent from gnomAD (both v2 and v3). (SP) 0701 - Other NMD-predicted variants comparable to the one identified in this case have very strong previous evidence for pathogenicity. These variants were de novo in individuals affected with neurodevelopmental delay, intellectual disability, dysmorphic features and/or macrocephaly (Decipher, PMID: 31124279). (SP) 0807 - This variant has no previous evidence of pathogenicity. (I) 0905 - No published segregation evidence has been identified for this variant. (I) 1007 - No published functional evidence has been identified for this variant. (I) Legend: (SP) - Supporting pathogenic, (I) - Information, (SB) - Supporting benign

Joint Genome Diagnostic Labs from Nijmegen and Maastricht, Radboudumc and MUMC+
Classification: Likely pathogenic for Neurodevelopmental disorder with coarse facies and mild distal skeletal abnormalities. Last evaluated: 2022-09-09. Review status: no assertion criteria provided. Collection method: research. Allele origin: unknown. Affected: yes. Not counted in ClinVar's aggregate classification.

Literature cited by the submitters: PubMed 31124279 (cited by Victorian Clinical Genetics Services, Murdoch Childrens Research Institute).

NM_001348716.2(KDM6B):c.496C>T (p.Arg166Ter)

Gene: KDM6B (lysine demethylase 6B; plus strand). Cytogenetic location: 17p13.1.
Variant type: single nucleotide variant.
Coding change: c.496C>T on transcript NM_001348716.2 (MANE Select); coding-DNA position 496, C replaced by T.
Protein change: p.Arg166Ter; replaces arginine 166 with a stop codon.
Molecular consequence: nonsense.
Genome position (GRCh38, 1-based): chr17:7,846,439, C>T. VCF-style: chr17-7846439-C-T. GRCh37 (hg19) VCF-style: chr17-7749757-C-T.
Other names: c.496C>T (NM_001080424.1); c.496C>T, p.Arg166Ter (NM_001080424.2); short protein forms R166*.
Identifiers: ClinVar variation 1699056 (VCV001699056.28), dbSNP rs2078539742, ClinGen allele CA397912559.
Genomic context (GRCh38, chr17:7,846,439, plus strand): 5'-CCCGTGTCCCCCCACCCCCAGGCCCAGCTCTGGAACTTTCATACTGGCTCCTGCCAGCAC[C>T]GAGCCAAGGTCCTGCCCCCACTGGAGCAAGTGTGGAACTTGCTACACCTTGAGGTGAGGC-3'